The following is an entry in ClinVar:

ClinVar aggregate classification (germline): Uncertain significance (1 of 4 stars; one submission).

Conditions:
Cardiovascular phenotype. Identifiers: MedGen CN230736.

Submission:

Ambry Genetics
Classification: Uncertain significance for Cardiovascular phenotype. Last evaluated: 2025-05-26. Review status: criteria provided, single submitter. Criteria: Ambry Variant Classification Scheme 2023. Collection method: clinical testing. Allele origin: germline.
Comment: The p.A171T variant (also known as c.511G>A), located in coding exon 4 of the ABCG8 gene, results from a G to A substitution at nucleotide position 511. The alanine at codon 171 is replaced by threonine, an amino acid with similar properties. This amino acid position is conserved. In addition, the in silico prediction for this alteration is inconclusive. Based on the available evidence, the clinical significance of this variant remains unclear.

NM_022437.3(ABCG8):c.511G>A (p.Ala171Thr)

Gene: ABCG8 (ATP binding cassette subfamily G member 8; plus strand). Cytogenetic location: 2p21.
Variant type: single nucleotide variant.
Coding change: c.511G>A on transcript NM_022437.3 (MANE Select); coding-DNA position 511, G replaced by A.
Protein change: p.Ala171Thr; replaces alanine 171 with threonine.
Molecular consequence: missense variant.
Genome position (GRCh38, 1-based): chr2:43,851,772, G>A. VCF-style: chr2-43851772-G-A. GRCh37 (hg19) VCF-style: chr2-44078911-G-A.
Other names: c.511G>A, p.Ala171Thr (NM_001357321.2); short protein forms A171T.
Identifiers: ClinVar variation 3992654 (VCV003992654.1).